The following is an entry in ClinVar:

NM_001364857.2(ADGRB2):c.445A>C (p.Thr149Pro)

Gene: ADGRB2 (adhesion G protein-coupled receptor B2; minus strand). Cytogenetic location: 1p35.2.
Variant type: single nucleotide variant.
Coding change: c.445A>C on transcript NM_001364857.2 (MANE Select); coding-DNA position 445, A replaced by C.
Protein change: p.Thr149Pro; replaces threonine 149 with proline.
Molecular consequence: missense variant.
Genome position (GRCh38, 1-based): chr1:31,756,392, T>G on the plus strand (A>C on the coding strand, the complement: ADGRB2 is on the minus strand). VCF-style: chr1-31756392-T-G. GRCh37 (hg19) VCF-style: chr1-32221993-T-G.
Other names: c.445A>C, p.Thr149Pro (NM_001294335.2, NM_001294336.2); short protein forms T149P.
Identifiers: ClinVar variation 4717726 (VCV004717726.1).
Genomic context (GRCh38, chr1:31,756,392, plus strand): 5'-CCTCGGAGGGCTCAGCCGACAGGCACAGCTGCACGAAGTTCTTGTCGAAGTGCAGGAAGG[T>G]AAAGGGGCCTGAGCCGCTGCACAGCTCCAACCCCGCTGCCGCCTCTGCCTCCTCCTCTTC-3'
Protein context (NP_001351786.1, residues 139-159): LELCSGSGPF[Thr149Pro]FLHFDKNFVQ

ClinVar aggregate classification (germline): Uncertain significance (1 of 4 stars; one submission).

Submission:

Labcorp Genetics (formerly Invitae), Labcorp
Classification: Uncertain significance. Last evaluated: 2025-04-24. Review status: criteria provided, single submitter. Criteria: Invitae Variant Classification Sherloc (09022015). Collection method: clinical testing. Allele origin: germline.
Comment: This sequence change replaces threonine, which is neutral and polar, with proline, which is neutral and non-polar, at codon 149 of the ADGRB2 protein (p.Thr149Pro). This variant is not present in population databases (gnomAD no frequency). This variant has not been reported in the literature in individuals affected with ADGRB2-related conditions. An algorithm developed to predict the effect of missense changes on protein structure and function (PolyPhen-2) suggests that this variant is likely to be disruptive. In summary, the available evidence is currently insufficient to determine the role of this variant in disease. Therefore, it has been classified as a Variant of Uncertain Significance.